The following is an entry in ClinVar:

NM_025099.6(CTC1):c.32C>A (p.Ser11Tyr)

Genes: PFAS (phosphoribosylformylglycinamidine synthase; plus strand), CTC1 (CST telomere replication complex component 1; minus strand). Cytogenetic location: 17p13.1.
Variant type: single nucleotide variant.
Coding change: c.32C>A on transcript NM_025099.6 (MANE Select); coding-DNA position 32, C replaced by A.
Protein change: p.Ser11Tyr; replaces serine 11 with tyrosine.
Molecular consequence: missense variant. On other transcripts: non-coding transcript variant (1).
Genome position (GRCh38, 1-based): chr17:8,248,005, G>T on the plus strand (C>A on the coding strand, the complement: CTC1 is on the minus strand). VCF-style: chr17-8248005-G-T. GRCh37 (hg19) VCF-style: chr17-8151323-G-T.
Other names: short protein forms S11Y.
Identifiers: ClinVar variation 1041890 (VCV001041890.7), dbSNP rs1988915221, ClinGen allele CA397999365.

ClinVar aggregate classification (germline): Uncertain significance (1 of 4 stars; one submission).

Conditions:
Dyskeratosis congenita. Identifiers: Orphanet 1775, MedGen C0265965, MONDO:0015780.

Submission:

Labcorp Genetics (formerly Invitae), Labcorp
Classification: Uncertain significance for Dyskeratosis congenita. Last evaluated: 2020-03-09. Review status: criteria provided, single submitter. Criteria: Invitae Variant Classification Sherloc (09022015). Collection method: clinical testing. Allele origin: germline.
Comment: This variant has not been reported in the literature in individuals with CTC1-related conditions. In summary, the available evidence is currently insufficient to determine the role of this variant in disease. Therefore, it has been classified as a Variant of Uncertain Significance. Algorithms developed to predict the effect of missense changes on protein structure and function are either unavailable or do not agree on the potential impact of this missense change (SIFT: "Deleterious"; PolyPhen-2: "Benign"; Align-GVGD: "Class C0"). This variant is not present in population databases (ExAC no frequency). This sequence change replaces serine with tyrosine at codon 11 of the CTC1 protein (p.Ser11Tyr). The serine residue is weakly conserved and there is a large physicochemical difference between serine and tyrosine.